The following is an entry in ClinVar:

NM_000321.3(RB1):c.1696-3T>C

Gene: RB1 (RB transcriptional corepressor 1; plus strand). Cytogenetic location: 13q14.2.
Variant type: single nucleotide variant.
Coding change: c.1696-3T>C on transcript NM_000321.3 (MANE Select); 3 bases into the intron before coding-DNA position 1696, T replaced by C.
Molecular consequence: intron variant.
Genome position (GRCh38, 1-based): chr13:48,452,990, T>C. VCF-style: chr13-48452990-T-C. GRCh37 (hg19) VCF-style: chr13-49027126-T-C.
Other names: c.1696-3T>C (NM_001407165.1, NM_000321.2).
Identifiers: ClinVar variation 2851507 (VCV002851507.4), dbSNP rs1488967061, ClinGen allele CA609583768.

ClinVar aggregate classification (germline): Uncertain significance. Review status: criteria provided, multiple submitters, no conflicts (2 of 4 stars). 2 submissions from 2 submitters: Uncertain significance (2). Last evaluated 2025-05-16.

Conditions:
Retinoblastoma (RB1). Also called: RETINOBLASTOMA, SOMATIC. Identifiers: Orphanet 790, MedGen C0035335, MeSH D012175, MONDO:0008380, OMIM 180200, HP:0009919. Disease mechanism: loss of function. Inheritance: Both sporadic and heritable forms are tested..
Hereditary cancer-predisposing syndrome. Also called: Neoplastic Syndromes, Hereditary; Hereditary Cancer Syndrome; Tumor predisposition; Hereditary neoplastic syndrome. Identifiers: Orphanet 140162, MedGen C0027672, MeSH D009386, MONDO:0015356.

Allele frequency attached by ClinVar (database versions not stated): gnomAD exomes below 0.00001.
gnomAD v4.1: 1 of 1,612,332 alleles (0.000062%); highest among the groups gnomAD compares: African/African-American, 0.0013%; no homozygotes.

Submissions (2):

Ambry Genetics
Classification: Uncertain significance for Hereditary cancer-predisposing syndrome. Last evaluated: 2025-05-16. Review status: criteria provided, single submitter. Criteria: Ambry Variant Classification Scheme 2023. Collection method: clinical testing. Allele origin: germline.
Comment: The c.1696-3T>C intronic variant results from a T to C substitution 3 nucleotides upstream from coding exon 18 in the RB1 gene. This nucleotide position is not well conserved in available vertebrate species. In silico splice site analysis predicts that this alteration will not have any significant effect on splicing. Based on the available evidence, the clinical significance of this variant remains unclear.

Labcorp Genetics (formerly Invitae), Labcorp
Classification: Uncertain significance for Retinoblastoma. Last evaluated: 2023-06-09. Review status: criteria provided, single submitter. Criteria: Invitae Variant Classification Sherloc (09022015). Collection method: clinical testing. Allele origin: germline.
Comment: In summary, the available evidence is currently insufficient to determine the role of this variant in disease. Therefore, it has been classified as a Variant of Uncertain Significance. Variants that disrupt the consensus splice site are a relatively common cause of aberrant splicing (PMID: 17576681, 9536098). Algorithms developed to predict the effect of sequence changes on RNA splicing suggest that this variant is not likely to affect RNA splicing. This variant has not been reported in the literature in individuals affected with RB1-related conditions. This variant is present in population databases (no rsID available, gnomAD 0.007%). This sequence change falls in intron 17 of the RB1 gene. It does not directly change the encoded amino acid sequence of the RB1 protein. It affects a nucleotide within the consensus splice site.

Literature cited by the submitters: PubMed 17576681 (cited by Labcorp Genetics (formerly Invitae), Labcorp); PubMed 9536098 (cited by Labcorp Genetics (formerly Invitae), Labcorp).